The following is an entry in ClinVar:

ClinVar aggregate classification (germline): Pathogenic (1 of 4 stars; one submission).

Conditions:
Glycogen storage disease, type II (IOPD). Also called: CARDIOMEGALIA GLYCOGENICA DIFFUSA; GLYCOGENOSIS, GENERALIZED, CARDIAC FORM; GSD II; Glycogen storage disease type 2; Acid maltase deficiency disease; Aglucosidase alfa. Identifiers: Orphanet 365, MedGen C0017921, MONDO:0009290, OMIM 232300.

Submission:

Myriad Genetics, Inc.
Classification: Pathogenic for Glycogen storage disease, type II. Last evaluated: 2025-04-06. Review status: criteria provided, single submitter. Criteria: Myriad Autosomal Dominant, Autosomal Recessive and X-Linked Classification Criteria (2023). Collection method: clinical testing. Allele origin: unknown.
Comment: NM_000152.3(GAA):c.620delC(P207Hfs*14) is expected to be pathogenic in the context of Pompe disease. This variant is predicted to lead to an abnormal or absent protein product due to the creation of a premature termination codon in GAA, a gene where loss-of-function variants are known to be pathogenic. Please note: this variant was assessed in the context of healthy population screening.

NM_000152.5(GAA):c.620del (p.Pro207fs)

Gene: GAA (alpha glucosidase; plus strand). Cytogenetic location: 17q25.3.
Variant type: Deletion.
Coding change: c.620del on transcript NM_000152.5 (MANE Select); coding-DNA position 620, one base deleted (C; older notation c.620delC).
Protein change: p.Pro207fs; shifts the reading frame from proline 207.
Molecular consequence: frameshift variant.
Genome position (GRCh38, 1-based): chr17:80,105,822, C deleted; the last of 4 consecutive C bases (chr17:80,105,819-80,105,822); deleting any one gives the same sequence. VCF-style (leftmost placement, unchanged base first): chr17-80105818-TC-T. GRCh37 (hg19) VCF-style: chr17-78079617-TC-T.
Other names: c.620del, p.Pro207fs (NM_001079803.3, NM_001079804.3, NM_001406741.1 and 1 more transcripts); short protein forms P207fs.
Identifiers: ClinVar variation 5014307 (VCV005014307.1).